The following is an entry in ClinVar:

ClinVar aggregate classification (germline): Uncertain significance. Review status: criteria provided, multiple submitters, no conflicts (2 of 4 stars). 2 submissions from 2 submitters: Uncertain significance (2). Last evaluated 2025-02-05.

Conditions:
Hypertrophic cardiomyopathy 26. Also called: Cardiomyopathy, familial hypertrophic, 26. Identifiers: Orphanet 75249, MedGen C4310749, MONDO:0014883, OMIM 617047.
Myofibrillar myopathy 5. Also called: Filaminopathy (type); FILAMINOPATHY, AUTOSOMAL DOMINANT. Identifiers: Orphanet 171445, MedGen C1836050, MONDO:0012289, OMIM 609524.
Distal myopathy with posterior leg and anterior hand involvement. Also called: WILLIAMS DISTAL MYOPATHY. Identifiers: Orphanet 63273, MedGen C3279722, MONDO:0013550, OMIM 614065.

Allele frequency attached by ClinVar (database versions not stated): gnomAD exomes below 0.00001.

Submissions (2):

GeneDx
Classification: Uncertain significance. Last evaluated: 2025-02-05. Review status: criteria provided, single submitter. Criteria: GeneDx Variant Classification Process June 2021. Collection method: clinical testing. Allele origin: germline. Affected: yes.
Comment: Not observed at significant frequency in large population cohorts (gnomAD); In silico analysis supports that this missense variant has a deleterious effect on protein structure/function; Has not been previously published as pathogenic or benign to our knowledge

Labcorp Genetics (formerly Invitae), Labcorp
Classification: Uncertain significance for Distal myopathy with posterior leg and anterior hand involvement; Myofibrillar myopathy 5; Hypertrophic cardiomyopathy 26. Last evaluated: 2022-02-04. Review status: criteria provided, single submitter. Criteria: Invitae Variant Classification Sherloc (09022015). Collection method: clinical testing. Allele origin: germline.
Comment: This sequence change replaces lysine, which is basic and polar, with methionine, which is neutral and non-polar, at codon 717 of the FLNC protein (p.Lys717Met). This variant is present in population databases (no rsID available, gnomAD 0.003%). This variant has not been reported in the literature in individuals affected with FLNC-related conditions. Algorithms developed to predict the effect of missense changes on protein structure and function output the following: SIFT: "Tolerated"; PolyPhen-2: "Benign"; Align-GVGD: "Class C0". The methionine amino acid residue is found in multiple mammalian species, which suggests that this missense change does not adversely affect protein function. In summary, the available evidence is currently insufficient to determine the role of this variant in disease. Therefore, it has been classified as a Variant of Uncertain Significance.

NM_001458.5(FLNC):c.2150A>T (p.Lys717Met)

Genes: FLNC (filamin C; plus strand), LOC129999273 (ATAC-STARR-seq lymphoblastoid silent region 18616; plus strand). Cytogenetic location: 7q32.1.
Variant type: single nucleotide variant.
Coding change: c.2150A>T on transcript NM_001458.5 (MANE Select); coding-DNA position 2150, A replaced by T.
Protein change: p.Lys717Met; replaces lysine 717 with methionine.
Molecular consequence: missense variant.
Genome position (GRCh38, 1-based): chr7:128,842,259, A>T. VCF-style: chr7-128842259-A-T. GRCh37 (hg19) VCF-style: chr7-128482313-A-T.
Other names: c.2150A>T, p.Lys717Met (NM_001127487.2); short protein forms K717M.
Identifiers: ClinVar variation 2092909 (VCV002092909.5), dbSNP rs1426535942, ClinGen allele CA369228723.
Genomic context (GRCh38, chr7:128,842,259, plus strand): 5'-AGCTATGAACTTTGCTTGGGTGATGCCCACAGGACGCCGACGGCTGTCCCATCGACATCA[A>T]GGTGATCCCCAACGGCGACGGCACCTTCCGCTGCTCCTACGTGCCCACCAAGCCCATTAA-3'
Protein context (NP_001449.3, residues 707-727): QDADGCPIDI[Lys717Met]VIPNGDGTFR